The following is an entry in ClinVar:

NM_002872.5(RAC2):c.47A>G (p.Lys16Arg)

Gene: RAC2 (Rac family small GTPase 2; minus strand). Cytogenetic location: 22q13.1.
Variant type: single nucleotide variant.
Coding change: c.47A>G on transcript NM_002872.5 (MANE Select); coding-DNA position 47, A replaced by G.
Protein change: p.Lys16Arg; replaces lysine 16 with arginine.
Molecular consequence: missense variant.
Genome position (GRCh38, 1-based): chr22:37,241,647, T>C on the plus strand (A>G on the coding strand, the complement: RAC2 is on the minus strand). VCF-style: chr22-37241647-T-C. GRCh37 (hg19) VCF-style: chr22-37637687-T-C.
Other names: short protein forms K16R.
Identifiers: ClinVar variation 2838979 (VCV002838979.3), dbSNP rs2517939244, ClinGen allele CA411444054.

ClinVar aggregate classification (germline): Uncertain significance (1 of 4 stars; one submission).

Conditions:
Neutrophil immunodeficiency syndrome. Also called: Immunodeficiency 73A with defective neutrophil chemotaxis and leukocytosis. Identifiers: Orphanet 183707, MedGen C1842398, MONDO:0011988, OMIM 608203.

Submission:

Labcorp Genetics (formerly Invitae), Labcorp
Classification: Uncertain significance for Neutrophil immunodeficiency syndrome. Last evaluated: 2023-04-22. Review status: criteria provided, single submitter. Criteria: Invitae Variant Classification Sherloc (09022015). Collection method: clinical testing. Allele origin: germline.
Comment: This sequence change replaces lysine, which is basic and polar, with arginine, which is basic and polar, at codon 16 of the RAC2 protein (p.Lys16Arg). In summary, the available evidence is currently insufficient to determine the role of this variant in disease. Therefore, it has been classified as a Variant of Uncertain Significance. Advanced modeling of protein sequence and biophysical properties (such as structural, functional, and spatial information, amino acid conservation, physicochemical variation, residue mobility, and thermodynamic stability) performed at Invitae indicates that this missense variant is expected to disrupt RAC2 protein function. This variant has not been reported in the literature in individuals affected with RAC2-related conditions. This variant is not present in population databases (gnomAD no frequency).